The following is an entry in ClinVar:

NM_001278116.2(L1CAM):c.198-17C>A

Gene: L1CAM (L1 cell adhesion molecule; minus strand). Cytogenetic location: Xq28.
Variant type: single nucleotide variant.
Coding change: c.198-17C>A on transcript NM_001278116.2 (MANE Select); 17 bases into the intron before coding-DNA position 198, C replaced by A.
Molecular consequence: intron variant.
Genome position (GRCh38, 1-based): chrX:153,872,371, G>T on the plus strand (C>A on the coding strand, the complement: L1CAM is on the minus strand). VCF-style: chrX-153872371-G-T. GRCh37 (hg19) VCF-style: chrX-153137826-G-T.
Other names: c.183-17C>A (NM_001143963.2); c.198-17C>A (NM_024003.3, NM_000425.5).
Identifiers: ClinVar variation 2991283 (VCV002991283.4), dbSNP rs781828081, ClinGen allele CA10554633.

ClinVar aggregate classification (germline): Likely benign. Review status: criteria provided, multiple submitters, no conflicts (2 of 4 stars). 2 submissions from 2 submitters: Likely benign (2). Last evaluated 2025-03-19.

Conditions:
Spastic paraplegia. Identifiers: MedGen C0037772, HP:0001258.

Allele frequency attached by ClinVar (database versions not stated): ExAC 0.00001.
gnomAD v4.1: 7 of 1,198,023 alleles (0.00058%); highest among the groups gnomAD compares: Admixed American, 0.0044%; no homozygotes.

Submissions (2):

Labcorp Genetics (formerly Invitae), Labcorp
Classification: Likely benign for Spastic paraplegia. Last evaluated: 2025-03-19. Review status: criteria provided, single submitter. Criteria: Invitae Variant Classification Sherloc (09022015). Collection method: clinical testing. Allele origin: germline.

Women's Health and Genetics/Laboratory Corporation of America, LabCorp
Classification: Likely benign. Last evaluated: 2024-10-01. Review status: criteria provided, single submitter. Criteria: LabCorp Variant Classification Summary - May 2015. Collection method: clinical testing. Allele origin: germline.
Comment: Variant summary: L1CAM c.198-17C>A alters a non-conserved nucleotide located at a position not widely known to affect splicing. Consensus agreement among computation tools predict no significant impact on normal splicing. However, these predictions have yet to be confirmed by functional studies. The variant allele was found at a frequency of 1.7e-05 in 179691 control chromosomes. The available data on variant occurrences in the general population are insufficient to allow any conclusion about variant significance. To our knowledge, no occurrence of c.198-17C>A in individuals affected with L1 Syndrome and no experimental evidence demonstrating its impact on protein function have been reported. ClinVar contains an entry for this variant (Variation ID: 2991283). Based on the evidence outlined above, the variant was classified as likely benign.